The following is an entry in ClinVar:

NM_016169.4(SUFU):c.296A>T (p.Tyr99Phe)

Gene: SUFU (SUFU negative regulator of hedgehog signaling; plus strand). Cytogenetic location: 10q24.32.
Variant type: single nucleotide variant.
Coding change: c.296A>T on transcript NM_016169.4 (MANE Select); coding-DNA position 296, A replaced by T.
Protein change: p.Tyr99Phe; replaces tyrosine 99 with phenylalanine.
Molecular consequence: missense variant.
Genome position (GRCh38, 1-based): chr10:102,509,282, A>T. VCF-style: chr10-102509282-A-T. GRCh37 (hg19) VCF-style: chr10-104269039-A-T.
Other names: c.296A>T, p.Tyr99Phe (NM_001178133.2); short protein forms Y99F.
Identifiers: ClinVar variation 3802893 (VCV003802893.1).
Genomic context (GRCh38, chr10:102,509,282, plus strand): 5'-GCCCTTCTGCTAACATCCCCGAGCACTGGCACTACATCAGCTTCGGCCTGAGTGATCTCT[A>T]TGGTGACAACAGAGTCCATGAGTGAGTATATGCCACCTGTTCTTTATCCAGAGCCTTATT-3'
Protein context (NP_057253.2, residues 89-109): HYISFGLSDL[Tyr99Phe]GDNRVHEFTG

ClinVar aggregate classification (germline): Uncertain significance (1 of 4 stars; one submission).

Conditions:
Hereditary cancer-predisposing syndrome. Also called: Neoplastic Syndromes, Hereditary; Hereditary Cancer Syndrome; Tumor predisposition; Hereditary neoplastic syndrome. Identifiers: Orphanet 140162, MedGen C0027672, MeSH D009386, MONDO:0015356.

Submission:

Ambry Genetics
Classification: Uncertain significance for Hereditary cancer-predisposing syndrome. Last evaluated: 2025-01-17. Review status: criteria provided, single submitter. Criteria: Ambry Variant Classification Scheme 2023. Collection method: clinical testing. Allele origin: germline.
Comment: The p.Y99F variant (also known as c.296A>T), located in coding exon 2 of the SUFU gene, results from an A to T substitution at nucleotide position 296. The tyrosine at codon 99 is replaced by phenylalanine, an amino acid with highly similar properties. This amino acid position is conserved. In addition, the in silico prediction for this alteration is inconclusive. Based on the available evidence, the clinical significance of this variant remains unclear.